The following is an entry in ClinVar:

NM_001008537.3(NEXMIF):c.1540G>T (p.Gly514Cys)

Gene: NEXMIF (neurite extension and migration factor; minus strand). Cytogenetic location: Xq13.3.
Variant type: single nucleotide variant.
Coding change: c.1540G>T on transcript NM_001008537.3 (MANE Select); coding-DNA position 1540, G replaced by T.
Protein change: p.Gly514Cys; replaces glycine 514 with cysteine.
Molecular consequence: missense variant.
Genome position (GRCh38, 1-based): chrX:74,743,017, C>A on the plus strand (G>T on the coding strand, the complement: NEXMIF is on the minus strand). VCF-style: chrX-74743017-C-A. GRCh37 (hg19) VCF-style: chrX-73962852-C-A.
Other names: short protein forms G514C.
Identifiers: ClinVar variation 4535860 (VCV004535860.1).

ClinVar aggregate classification (germline): Uncertain significance (1 of 4 stars; one submission).

gnomAD v4.1: 7 of 1,209,145 alleles (0.00058%); highest among the groups gnomAD compares: African/African-American, 0.0035%; no homozygotes.

Submission:

Women's Health and Genetics/Laboratory Corporation of America, LabCorp
Classification: Uncertain significance. Last evaluated: 2025-09-03. Review status: criteria provided, single submitter. Criteria: LabCorp Variant Classification Summary - May 2015. Collection method: clinical testing. Allele origin: germline.
Comment: Variant summary: NEXMIF c.1540G>T (p.Gly514Cys) results in a non-conservative amino acid change in the encoded protein sequence. Algorithms developed to predict the effect of missense changes on protein structure and function are either unavailable or do not agree on the potential impact of this missense change. The variant allele was found at a frequency of 9.9e-06 in 201806 control chromosomes. The available data on variant occurrences in the general population are insufficient to allow any conclusion about variant significance. To our knowledge, no occurrence of c.1540G>T in individuals affected with NEXMIF-related conditions and no experimental evidence demonstrating its impact on protein function have been reported. No submitters have cited clinical-significance assessments for this variant to ClinVar. Based on the evidence outlined above, the variant was classified as uncertain significance.